The following is an entry in ClinVar:

ClinVar aggregate classification (germline): Uncertain significance. Review status: criteria provided, multiple submitters, no conflicts (2 of 4 stars). 4 submissions from 4 submitters: Uncertain significance (4). Last evaluated 2024-09-23.

Conditions:
Inborn genetic diseases. Identifiers: MedGen C0950123, MeSH D030342.
Immunodeficiency 67. Also called: Immunodeficiency due to interleukin-1 receptor-associated kinase-4 deficiency. Identifiers: Orphanet 70592, MedGen C1843256, MONDO:0011888, OMIM 607676.

Allele frequency attached by ClinVar (database versions not stated): ExAC 0.00030; gnomAD exomes 0.00035 and 0.00055; gnomAD 0.00042 and 0.00044; TOPMed 0.00043; ESP Exome Variant Server 0.00046.
gnomAD v4.1: 865 of 1,610,808 alleles (0.054%); highest among the groups gnomAD compares: Non-Finnish European, 0.065%; 1 homozygote.

Submissions (4):

Blueprint Genetics
Classification: Uncertain significance. Last evaluated: 2024-09-23. Review status: criteria provided, single submitter. Criteria: ACMG Guidelines, 2015. Collection method: clinical testing. Allele origin: germline.

Ambry Genetics
Classification: Uncertain significance for Inborn genetic diseases. Last evaluated: 2024-04-15. Review status: criteria provided, single submitter. Criteria: Ambry Variant Classification Scheme 2023. Collection method: clinical testing. Allele origin: germline.

Labcorp Genetics (formerly Invitae), Labcorp
Classification: Uncertain significance for Immunodeficiency 67. Last evaluated: 2022-10-24. Review status: criteria provided, single submitter. Criteria: Invitae Variant Classification Sherloc (09022015). Collection method: clinical testing. Allele origin: germline.
Comment: This sequence change replaces threonine, which is neutral and polar, with alanine, which is neutral and non-polar, at codon 177 of the IRAK4 protein (p.Thr177Ala). This variant is present in population databases (rs141209982, gnomAD 0.05%). This variant has not been reported in the literature in individuals affected with IRAK4-related conditions. ClinVar contains an entry for this variant (Variation ID: 574442). Advanced modeling of protein sequence and biophysical properties (such as structural, functional, and spatial information, amino acid conservation, physicochemical variation, residue mobility, and thermodynamic stability) performed at Invitae indicates that this missense variant is expected to disrupt IRAK4 protein function. In summary, the available evidence is currently insufficient to determine the role of this variant in disease. Therefore, it has been classified as a Variant of Uncertain Significance.

Illumina Laboratory Services, Illumina
Classification: Uncertain significance for Immunodeficiency 67. Last evaluated: 2017-04-28. Review status: criteria provided, single submitter. Criteria: ICSL Variant Classification Criteria 13 December 2019. Collection method: clinical testing. Allele origin: germline.

NM_016123.4(IRAK4):c.529A>G (p.Thr177Ala)

Gene: IRAK4 (interleukin 1 receptor associated kinase 4; plus strand). Cytogenetic location: 12q12.
Variant type: single nucleotide variant.
Coding change: c.529A>G on transcript NM_016123.4 (MANE Select); coding-DNA position 529, A replaced by G.
Protein change: p.Thr177Ala; replaces threonine 177 with alanine.
Molecular consequence: missense variant. On other transcripts: synonymous variant (2).
Genome position (GRCh38, 1-based): chr12:43,772,950, A>G. VCF-style: chr12-43772950-A-G. GRCh37 (hg19) VCF-style: chr12-44166753-A-G.
Other names: c.529A>G, p.Thr177Ala (NM_001114182.3, NM_001351345.2); c.157A>G, p.Thr53Ala (NM_001145256.2, NM_001145257.2, NM_001145258.2 and 5 more transcripts); c.6A>G, p.Ser2= (NM_001351343.2, NM_001351344.2); short protein forms T177A, T53A.
Identifiers: ClinVar variation 574442 (VCV000574442.15), dbSNP rs141209982, ClinGen allele CA6522401.